The following is an entry in ClinVar:

ClinVar aggregate classification (germline): Uncertain significance (1 of 4 stars; one submission).

Conditions:
Cardiovascular phenotype. Identifiers: MedGen CN230736.

Submission:

Ambry Genetics
Classification: Uncertain significance for Cardiovascular phenotype. Last evaluated: 2024-05-17. Review status: criteria provided, single submitter. Criteria: Ambry Variant Classification Scheme 2023. Collection method: clinical testing. Allele origin: germline.
Comment: The c.4127+3A>G intronic variant results from an A to G substitution 3 nucleotides after coding exon 23 in the FLNC gene. This nucleotide position is well conserved in available vertebrate species. In silico splice site analysis for this alteration is inconclusive. Based on the available evidence, the clinical significance of this variant remains unclear.

NM_001458.5(FLNC):c.4127+3A>G

Gene: FLNC (filamin C; plus strand). Cytogenetic location: 7q32.1.
Variant type: single nucleotide variant.
Coding change: c.4127+3A>G on transcript NM_001458.5 (MANE Select); 3 bases into the intron after coding-DNA position 4127, A replaced by G.
Molecular consequence: intron variant.
Genome position (GRCh38, 1-based): chr7:128,846,466, A>G. VCF-style: chr7-128846466-A-G. GRCh37 (hg19) VCF-style: chr7-128486520-A-G.
Other names: c.4127+3A>G (NM_001127487.2).
Identifiers: ClinVar variation 3279221 (VCV003279221.1).